The following is an entry in ClinVar:

NM_024496.4(IRF2BPL):c.704T>C (p.Leu235Pro)

Gene: IRF2BPL (interferon regulatory factor 2 binding protein like; minus strand). Cytogenetic location: 14q24.3.
Variant type: single nucleotide variant.
Coding change: c.704T>C on transcript NM_024496.4 (MANE Select); coding-DNA position 704, T replaced by C.
Protein change: p.Leu235Pro; replaces leucine 235 with proline.
Molecular consequence: missense variant.
Genome position (GRCh38, 1-based): chr14:77,027,089, A>G on the plus strand (T>C on the coding strand, the complement: IRF2BPL is on the minus strand). VCF-style: chr14-77027089-A-G. GRCh37 (hg19) VCF-style: chr14-77493432-A-G.
Other names: short protein forms L235P.
Identifiers: ClinVar variation 1307065 (VCV001307065.4), dbSNP rs927676640, ClinGen allele CA263778896.

ClinVar aggregate classification (germline): Uncertain significance. Review status: criteria provided, multiple submitters, no conflicts (2 of 4 stars). 2 submissions from 2 submitters: Uncertain significance (2). Last evaluated 2025-01-30.

Allele frequency attached by ClinVar (database versions not stated): gnomAD 0.00001; TOPMed 0.00001.

Submissions (2):

Dasa
Classification: Uncertain significance. Last evaluated: 2025-01-30. Review status: criteria provided, single submitter. Criteria: DASA Assertion Criteria. Collection method: clinical testing. Allele origin: germline.
Comment: NM_024496.4(IRF2BPL):c.704T>C (p.Leu235Pro) is a missense variant that results in the substitution of leucine with proline. This variant is rare in population databases. Computational prediction algorithms are consistent with a benign effect. The currently available literature and clinical evidence are not sufficient to establish a definitive association between this variant and the reported condition. Therefore, this variant is classified as a variant of uncertain significance.

GeneDx
Classification: Uncertain significance. Last evaluated: 2020-10-02. Review status: criteria provided, single submitter. Criteria: GeneDx Variant Classification Process June 2021. Collection method: clinical testing. Allele origin: germline. Affected: yes.
Comment: Not observed in large population cohorts (Lek et al., 2016); In silico analysis, which includes protein predictors and evolutionary conservation, supports that this variant does not alter protein structure/function; Has not been previously published as pathogenic or benign to our knowledge